The following is an entry in ClinVar:

NM_001378452.1(ITPR1):c.1909C>A (p.Leu637Ile)

Gene: ITPR1 (inositol 1,4,5-trisphosphate receptor type 1; plus strand). Cytogenetic location: 3p26.1.
Variant type: single nucleotide variant.
Coding change: c.1909C>A on transcript NM_001378452.1 (MANE Select); coding-DNA position 1909, C replaced by A.
Protein change: p.Leu637Ile; replaces leucine 637 with isoleucine.
Molecular consequence: missense variant.
Genome position (GRCh38, 1-based): chr3:4,669,676, C>A. VCF-style: chr3-4669676-C-A. GRCh37 (hg19) VCF-style: chr3-4711360-C-A.
Other names: c.1909C>A, p.Leu637Ile (NM_001099952.4); c.1864C>A, p.Leu622Ile (NM_001168272.2, NM_002222.7); short protein forms L622I, L637I.
Identifiers: ClinVar variation 432284 (VCV000432284.2), dbSNP rs1553683825, ClinGen allele CA351644199.

ClinVar aggregate classification (germline): Likely pathogenic (1 of 4 stars; one submission).

Submission:

GeneDx
Classification: Likely pathogenic. Last evaluated: 2017-06-01. Review status: criteria provided, single submitter. Criteria: GeneDx Variant Classification (06012015). Collection method: clinical testing. Allele origin: germline. Affected: yes.
Comment: The L622I variant in the ITPR1 gene has not been reported previously as a pathogenic variant, nor as a benign variant, to our knowledge. The L622I variant is not observed in large population cohorts (Lek et al., 2016; 1000 Genomes Consortium et al., 2015; Exome Variant Server). The L622I variant is a conservative amino acid substitution and occurs at a position that is conserved across species. The majority of in silico analysis models predicts this variant is probably damaging to the protein structure/function. We interpret L622I as a likely pathogenic variant.